The following is an entry in ClinVar:

ClinVar aggregate classification (germline): Benign (1 of 4 stars; one submission).

Conditions:
Pheochromocytoma/paraganglioma syndrome 1. Also called: PARAGANGLIOMAS, FAMILIAL NONCHROMAFFIN, 1; PGL 1; Paragangliomas familial 1; PARAGANGLIOMATA; Paragangliomas 1; Glomus tumors familial 1. Identifiers: Orphanet 29072, MedGen C3494181, MONDO:0008192, OMIM 168000.

Submission:

Myriad Genetics, Inc.
Classification: Benign for Pheochromocytoma/paraganglioma syndrome 1. Last evaluated: 2025-03-18. Review status: criteria provided, single submitter. Criteria: Myriad Autosomal Dominant, Autosomal Recessive and X-Linked Classification Criteria (2023). Collection method: clinical testing. Allele origin: unknown.
Comment: This variant is considered benign. This variant occurs in the non-coding 3' untranslated region of the gene and is not expected to impact protein function.

NM_003002.4(SDHD):c.*7T>C

Gene: SDHD (succinate dehydrogenase complex subunit D; plus strand). Cytogenetic location: 11q23.1.
Variant type: single nucleotide variant.
Coding change: c.*7T>C on transcript NM_003002.4 (MANE Select); 7 bases downstream of the stop codon, T replaced by C.
Molecular consequence: 3 prime UTR variant. On other transcripts: non-coding transcript variant (1).
Genome position (GRCh38, 1-based): chr11:112,094,977, T>C. VCF-style: chr11-112094977-T-C. GRCh37 (hg19) VCF-style: chr11-111965701-T-C.
Other names: c.*84T>C (NM_001276503.2); c.*7T>C (NM_001276504.2); c.*185T>C (NM_001276506.2).
Identifiers: ClinVar variation 3904586 (VCV003904586.1).
Genomic context (GRCh38, chr11:112,094,977, plus strand): 5'-AACTATCACGATGTGGGCATCTGCAAAGCTGTTGCCATGCTGTGGAAGCTCTGACCTTTT[T>C]GACTTCATACTTTGAAGAATTGATGTATGCCTCTTTGCCTCTGCTTTGTCATGCCATTAA-3'